The following is an entry in ClinVar:

ClinVar aggregate classification (germline): Likely benign. Review status: criteria provided, single submitter (1 of 4 stars). 2 submissions from 2 submitters: Likely benign (1). 1 of the submissions does not count toward it. Last evaluated 2022-10-19.

Conditions:
Axenfeld-Rieger syndrome type 3 (RIEG3). Also called: AXENFELD-RIEGER ANOMALY WITH CARDIAC DEFECTS AND/OR SENSORINEURAL HEARING LOSS. Identifiers: Orphanet 782, MedGen C2678503, MONDO:0011233, OMIM 602482.
FOXC1-related disorder. Also called: FOXC1-related condition.

Allele frequency attached by ClinVar (database versions not stated): gnomAD 0.00003.

Submissions (2):

Labcorp Genetics (formerly Invitae), Labcorp
Classification: Likely benign for Axenfeld-Rieger syndrome type 3. Last evaluated: 2022-10-19. Review status: criteria provided, single submitter. Criteria: Invitae Variant Classification Sherloc (09022015). Collection method: clinical testing. Allele origin: germline.

PreventionGenetics, part of Exact Sciences
Classification: Likely benign for FOXC1-related condition. Last evaluated: 2019-09-17. Review status: no assertion criteria provided. Collection method: clinical testing. Allele origin: germline. Not counted in ClinVar's aggregate classification.
Comment: This variant is classified as likely benign based on ACMG/AMP sequence variant interpretation guidelines (Richards et al. 2015 PMID: 25741868, with internal and published modifications).

NM_001453.3(FOXC1):c.693T>C (p.Gly231=)

Gene: FOXC1 (forkhead box C1; plus strand). Cytogenetic location: 6p25.3.
Variant type: single nucleotide variant.
Coding change: c.693T>C on transcript NM_001453.3 (MANE Select); coding-DNA position 693, T replaced by C.
Protein change: p.Gly231=; no amino-acid change (glycine 231 retained).
Molecular consequence: synonymous variant.
Genome position (GRCh38, 1-based): chr6:1,611,138, T>C. VCF-style: chr6-1611138-T-C. GRCh37 (hg19) VCF-style: chr6-1611373-T-C.
Other names: c.693T>C (NM_001453.2).
Identifiers: ClinVar variation 2085484 (VCV002085484.6), dbSNP rs1160038006, ClinGen allele CA448393624.